The following is an entry in ClinVar:

ClinVar aggregate classification (germline): Likely benign. Review status: criteria provided, single submitter (1 of 4 stars). 2 submissions from 2 submitters: Likely benign (1). 1 of the submissions does not count toward it. Last evaluated 2024-03-13.

Conditions:
Familial hemophagocytic lymphohistiocytosis 2 (FHL2). Also called: PRF1-Related Familial Hemophagocytic Lymphohistiocytosis (PRF1-fHLH). Identifiers: Orphanet 540, MedGen C1863727, MONDO:0011337, OMIM 603553.
PRF1-related disorder. Also called: PRF1-related condition.

Allele frequency attached by ClinVar (database versions not stated): gnomAD 0.00003; ExAC 0.00004; TOPMed 0.00005.
gnomAD v4.1: 24 of 1,612,754 alleles (0.0015%); highest among the groups gnomAD compares: East Asian, 0.047%; no homozygotes.

Submissions (2):

Labcorp Genetics (formerly Invitae), Labcorp
Classification: Likely benign for Familial hemophagocytic lymphohistiocytosis 2. Last evaluated: 2024-03-13. Review status: criteria provided, single submitter. Criteria: Invitae Variant Classification Sherloc (09022015). Collection method: clinical testing. Allele origin: germline.

PreventionGenetics, part of Exact Sciences
Classification: Likely benign for PRF1-related condition. Last evaluated: 2020-12-09. Review status: no assertion criteria provided. Collection method: clinical testing. Allele origin: germline. Not counted in ClinVar's aggregate classification.
Comment: This variant is classified as likely benign based on ACMG/AMP sequence variant interpretation guidelines (Richards et al. 2015 PMID: 25741868, with internal and published modifications).

NM_001083116.3(PRF1):c.1164C>T (p.Ser388=)

Gene: PRF1 (perforin 1; minus strand). Cytogenetic location: 10q22.1.
Variant type: single nucleotide variant.
Coding change: c.1164C>T on transcript NM_001083116.3 (MANE Select); coding-DNA position 1164, C replaced by T.
Protein change: p.Ser388=; no amino-acid change (serine 388 retained).
Molecular consequence: synonymous variant.
Genome position (GRCh38, 1-based): chr10:70,598,557, G>A on the plus strand (C>T on the coding strand, the complement: PRF1 is on the minus strand). VCF-style: chr10-70598557-G-A. GRCh37 (hg19) VCF-style: chr10-72358313-G-A.
Other names: c.1164C>T, p.Ser388= (NM_005041.6).
Identifiers: ClinVar variation 2164973 (VCV002164973.6), dbSNP rs761607073, ClinGen allele CA5538808.